The following is an entry in ClinVar:

ClinVar aggregate classification (germline): Uncertain significance (1 of 4 stars; one submission).

Submission:

GeneDx
Classification: Uncertain significance. Last evaluated: 2022-12-30. Review status: criteria provided, single submitter. Criteria: GeneDx Variant Classification Process June 2021. Collection method: clinical testing. Allele origin: germline. Affected: yes.
Comment: Not observed at significant frequency in large population cohorts (gnomAD); In silico analysis supports that this missense variant does not alter protein structure/function; Has not been previously published as pathogenic or benign to our knowledge

NM_001010867.4(IBA57):c.449C>T (p.Thr150Met)

Gene: IBA57 (iron-sulfur cluster assembly factor IBA57; plus strand). Cytogenetic location: 1q42.13.
Variant type: single nucleotide variant.
Coding change: c.449C>T on transcript NM_001010867.4 (MANE Select); coding-DNA position 449, C replaced by T.
Protein change: p.Thr150Met; replaces threonine 150 with methionine.
Molecular consequence: missense variant. On other transcripts: 5 prime UTR variant (1).
Genome position (GRCh38, 1-based): chr1:228,174,799, C>T. VCF-style: chr1-228174799-C-T. GRCh37 (hg19) VCF-style: chr1-228362500-C-T.
Other names: c.-131C>T (NM_001310327.2); short protein forms T150M.
Identifiers: ClinVar variation 2507209 (VCV002507209.1), dbSNP rs2527918540, ClinGen allele CA345112442.
Genomic context (GRCh38, chr1:228,174,799, plus strand): 5'-GCTCGGTGCAGGGCGCGCTGCAGAAGCACCTCGCGCTATACAGGATCCGGCGGAAGGTCA[C>T]GGTGGAGCCGCACCCGGAGCTGCGAGTGTGGGCGGTGTTGCCCAGTTCCCCTGAGGCCTG-3'
Protein context (NP_001010867.1, residues 140-160): LALYRIRRKV[Thr150Met]VEPHPELRVW